The following is an entry in ClinVar:

NM_001048174.2(MUTYH):c.1199C>T (p.Ala400Val)

Gene: MUTYH (mutY DNA glycosylase; minus strand). Cytogenetic location: 1p34.1.
Variant type: single nucleotide variant.
Coding change: c.1199C>T on transcript NM_001048174.2 (MANE Select); coding-DNA position 1199, C replaced by T.
Protein change: p.Ala400Val; replaces alanine 400 with valine.
Molecular consequence: missense variant. On other transcripts: non-coding transcript variant (2).
Genome position (GRCh38, 1-based): chr1:45,331,460, G>A on the plus strand (C>T on the coding strand, the complement: MUTYH is on the minus strand). VCF-style: chr1-45331460-G-A. GRCh37 (hg19) VCF-style: chr1-45797132-G-A.
Other names: c.1199C>T, p.Ala400Val (NM_001048171.2, NM_001048173.2, NM_001293195.2); c.1202C>T, p.Ala401Val (NM_001048172.2); c.1283C>T, p.Ala428Val (NM_001128425.2); c.1244C>T, p.Ala415Val (NM_001293190.2); c.1232C>T, p.Ala411Val (NM_001293191.2); c.923C>T, p.Ala308Val (NM_001293192.2, NM_001293196.2); c.854C>T, p.Ala285Val (NM_001350650.2, NM_001350651.2); c.1274C>T, p.Ala425Val (NM_012222.3); short protein forms A428V, A401V, A285V, A415V, A400V, A308V, A411V, A425V.
Identifiers: ClinVar variation 406832 (VCV000406832.19), dbSNP rs1060501326, ClinGen allele CA16610131.

ClinVar aggregate classification (germline): Uncertain significance. Review status: criteria provided, multiple submitters, no conflicts (2 of 4 stars). 5 submissions from 5 submitters: Uncertain significance (5). Last evaluated 2025-01-29.

Conditions:
Hereditary cancer-predisposing syndrome. Also called: Tumor predisposition; Hereditary Cancer Syndrome; Hereditary neoplastic syndrome; Neoplastic Syndromes, Hereditary. Identifiers: Orphanet 140162, MedGen C0027672, MeSH D009386, MONDO:0015356.
Familial adenomatous polyposis 2. Also called: COLORECTAL ADENOMATOUS POLYPOSIS, AUTOSOMAL RECESSIVE; MUTYH Polyposis; MUTYH-associated polyposis; MUTYH-related attenuated familial adenomatous polyposis; Adenomas, multiple colorectal; ADENOMAS, MULTIPLE COLORECTAL, AUTOSOMAL RECESSIVE. Identifiers: Orphanet 220460, Orphanet 247798, MedGen C3272841, MONDO:0012041, OMIM 608456.

Allele frequency attached by ClinVar (database versions not stated): TOPMed 0.00001; gnomAD exomes below 0.00001; gnomAD 0.00001.
gnomAD v4.1: 3 of 1,614,056 alleles (0.00019%); highest among the groups gnomAD compares: Admixed American, 0.0017%; no homozygotes.

Submissions (5):

Labcorp Genetics (formerly Invitae), Labcorp
Classification: Uncertain significance for Familial adenomatous polyposis 2. Last evaluated: 2025-01-29. Review status: criteria provided, single submitter. Criteria: Invitae Variant Classification Sherloc (09022015). Collection method: clinical testing. Allele origin: germline.
Comment: This sequence change replaces alanine, which is neutral and non-polar, with valine, which is neutral and non-polar, at codon 428 of the MUTYH protein (p.Ala428Val). This variant is not present in population databases (gnomAD no frequency). This variant has not been reported in the literature in individuals affected with MUTYH-related conditions. ClinVar contains an entry for this variant (Variation ID: 406832). An algorithm developed to predict the effect of missense changes on protein structure and function outputs the following: PolyPhen-2: "Benign". The valine amino acid residue is found in multiple mammalian species, which suggests that this missense change does not adversely affect protein function. In summary, the available evidence is currently insufficient to determine the role of this variant in disease. Therefore, it has been classified as a Variant of Uncertain Significance.

Ambry Genetics
Classification: Uncertain significance for Hereditary cancer-predisposing syndrome. Last evaluated: 2024-04-24. Review status: criteria provided, single submitter. Criteria: Ambry Variant Classification Scheme 2023. Collection method: clinical testing. Allele origin: germline.
Comment: The p.A428V variant (also known as c.1283C>T), located in coding exon 13 of the MUTYH gene, results from a C to T substitution at nucleotide position 1283. The alanine at codon 428 is replaced by valine, an amino acid with similar properties. This amino acid position is poorly conserved in available vertebrate species. In addition, this alteration is predicted to be tolerated by in silico analysis. Based on the available evidence, the clinical significance of this variant remains unclear.

Baylor Genetics
Classification: Uncertain significance for Familial adenomatous polyposis 2. Last evaluated: 2023-11-18. Review status: criteria provided, single submitter. Criteria: ACMG Guidelines, 2015. Collection method: clinical testing. Allele origin: unknown.

GeneDx
Classification: Uncertain significance. Last evaluated: 2021-01-08. Review status: criteria provided, single submitter. Criteria: GeneDx Variant Classification Process June 2021. Collection method: clinical testing. Allele origin: germline. Affected: yes.
Comment: Not observed in large population cohorts (Lek 2016); In silico analysis supports that this missense variant does not alter protein structure/function; Has not been previously published as pathogenic or benign to our knowledge; This variant is associated with the following publications: (PMID: 25124163)

Color Diagnostics, LLC DBA Color Health
Classification: Uncertain significance for Hereditary cancer-predisposing syndrome. Last evaluated: 2019-06-30. Review status: criteria provided, single submitter. Criteria: ACMG Guidelines, 2015. Collection method: clinical testing. Allele origin: germline.